The following is an entry in ClinVar:

NM_000159.4(GCDH):c.679C>T (p.Arg227Trp)

Gene: GCDH (glutaryl-CoA dehydrogenase; plus strand). Cytogenetic location: 19p13.13.
Variant type: single nucleotide variant.
Coding change: c.679C>T on transcript NM_000159.4 (MANE Select); coding-DNA position 679, C replaced by T.
Protein change: p.Arg227Trp; replaces arginine 227 with tryptophan.
Molecular consequence: missense variant. On other transcripts: non-coding transcript variant (2).
Genome position (GRCh38, 1-based): chr19:12,896,248, C>T. VCF-style: chr19-12896248-C-T. GRCh37 (hg19) VCF-style: chr19-13007062-C-T.
Other names: c.679C>T (NM_000159.2); c.679C>T, p.Arg227Trp (NM_013976.5); short protein forms R227W.
Identifiers: ClinVar variation 658536 (VCV000658536.13), dbSNP rs368357056, ClinGen allele CA9234462.

ClinVar aggregate classification (germline): Conflicting classifications of pathogenicity. Review status: criteria provided, conflicting classifications (1 of 4 stars). 5 submissions from 5 submitters: Pathogenic (1); Likely pathogenic (2); Uncertain significance (2). Last evaluated 2025-05-03.

Conditions:
Inborn genetic diseases. Identifiers: MedGen C0950123, MeSH D030342.
Glutaric aciduria, type 1. Also called: GA I; Glutaric acidemia type I; Glutaryl-CoA dehydrogenase deficiency; Glutaricaciduria, type I; Glutaricacidemia Type 1; Glutaric Acidemia Type 1. Identifiers: Orphanet 25, MedGen C0268595, MONDO:0009281, OMIM 231670.

Allele frequency attached by ClinVar (database versions not stated): ExAC 0.00003; gnomAD exomes 0.00003; gnomAD 0.00004; TOPMed 0.00004; ESP Exome Variant Server 0.00008.

Submissions (5):

Labcorp Genetics (formerly Invitae), Labcorp
Classification: Pathogenic for Glutaric aciduria, type 1. Last evaluated: 2025-05-03. Review status: criteria provided, single submitter. Criteria: Invitae Variant Classification Sherloc (09022015). Collection method: clinical testing. Allele origin: germline.
Comment: This sequence change replaces arginine, which is basic and polar, with tryptophan, which is neutral and slightly polar, at codon 227 of the GCDH protein (p.Arg227Trp). This variant is present in population databases (rs368357056, gnomAD 0.007%). This missense change has been observed in individual(s) with glutaric acidemia type I (internal data). In at least one individual the data is consistent with being in trans (on the opposite chromosome) from a pathogenic variant. ClinVar contains an entry for this variant (Variation ID: 658536). Invitae Evidence Modeling of protein sequence and biophysical properties (such as structural, functional, and spatial information, amino acid conservation, physicochemical variation, residue mobility, and thermodynamic stability) indicates that this missense variant is not expected to disrupt GCDH protein function with a negative predictive value of 80%. This variant disrupts the p.Arg227 amino acid residue in GCDH. Other variant(s) that disrupt this residue have been determined to be pathogenic (PMID: 9266361, 10066389, 10960496, 11073722, 22728054, 23395213, 28438223). This suggests that this residue is clinically significant, and that variants that disrupt this residue are likely to be disease-causing. For these reasons, this variant has been classified as Pathogenic.

Fulgent Genetics
Classification: Likely pathogenic for Glutaric aciduria, type 1. Last evaluated: 2024-06-10. Review status: criteria provided, single submitter. Criteria: ACMG Guidelines, 2015. Collection method: clinical testing. Allele origin: germline.

Ambry Genetics
Classification: Uncertain significance for Inborn genetic diseases. Last evaluated: 2024-05-15. Review status: criteria provided, single submitter. Criteria: Ambry Variant Classification Scheme 2023. Collection method: clinical testing. Allele origin: germline.
Comment: The c.679C>T (p.R227W) alteration is located in exon 8 (coding exon 7) of the GCDH gene. This alteration results from a C to T substitution at nucleotide position 679, causing the arginine (R) at amino acid position 227 to be replaced by a tryptophan (W). Based on data from gnomAD, the T allele has an overall frequency of 0.003% (8/251402) total alleles studied. The highest observed frequency was 0.007% (8/113682) of European (non-Finnish) alleles. This variant has been identified in trans with another GCDH variant in an individual with features consistent with GCDH-related glutaricaciduria (external communication 2024). Another alteration at the same codon, p.R227P, has been reported in combination with a second GCDH variant in multiple individuals with features consistent with GCDH-related glutaricaciduria (Busquets, 2000; Pokora, 2019). This amino acid position is not well conserved in available vertebrate species. The in silico prediction for this alteration is inconclusive. Based on insufficient or conflicting evidence, the clinical significance of this alteration remains unclear.

Blueprint Genetics
Classification: Uncertain significance. Last evaluated: 2021-07-14. Review status: criteria provided, single submitter. Criteria: ACMG Guidelines, 2015. Collection method: clinical testing. Allele origin: germline.

Kariminejad - Najmabadi Pathology & Genetics Center
Classification: Likely pathogenic for Glutaric aciduria, type 1. Review status: criteria provided, single submitter. Criteria: ACMG Guidelines, 2015. Collection method: clinical testing. Allele origin: germline. Affected: no.

Literature cited by the submitters: PubMed 9266361 (cited by Labcorp Genetics (formerly Invitae), Labcorp); PubMed 10066389 (cited by Labcorp Genetics (formerly Invitae), Labcorp); PubMed 10960496 (cited by Labcorp Genetics (formerly Invitae), Labcorp and Ambry Genetics); PubMed 11073722 (cited by Labcorp Genetics (formerly Invitae), Labcorp); PubMed 22728054 (cited by Labcorp Genetics (formerly Invitae), Labcorp); PubMed 23395213 (cited by Labcorp Genetics (formerly Invitae), Labcorp); PubMed 28438223 (cited by Labcorp Genetics (formerly Invitae), Labcorp); PubMed 30570710 (cited by Ambry Genetics).